The following is an entry in ClinVar:

ClinVar aggregate classification (germline): Uncertain significance (1 of 4 stars; one submission).

gnomAD v4.1: 3 of 1,597,246 alleles (0.00019%); highest among the groups gnomAD compares: South Asian, 0.0033%; no homozygotes.

Submission:

GeneDx
Classification: Uncertain significance. Last evaluated: 2025-08-11. Review status: criteria provided, single submitter. Criteria: GeneDx Variant Classification Process June 2021. Collection method: clinical testing. Allele origin: germline. Affected: yes.
Comment: Not observed at significant frequency in large population cohorts (gnomAD); In silico analysis supports that this missense variant has a deleterious effect on protein structure/function; Has not been previously published as pathogenic or benign to our knowledge

NM_182943.3(PLOD2):c.145A>G (p.Ser49Gly)

Gene: PLOD2 (procollagen-lysine,2-oxoglutarate 5-dioxygenase 2; minus strand). Cytogenetic location: 3q24.
Variant type: single nucleotide variant.
Coding change: c.145A>G on transcript NM_182943.3 (MANE Select); coding-DNA position 145, A replaced by G.
Protein change: p.Ser49Gly; replaces serine 49 with glycine.
Molecular consequence: missense variant.
Genome position (GRCh38, 1-based): chr3:146,124,194, T>C on the plus strand (A>G on the coding strand, the complement: PLOD2 is on the minus strand). VCF-style: chr3-146124194-T-C. GRCh37 (hg19) VCF-style: chr3-145841981-T-C.
Other names: c.145A>G, p.Ser49Gly (NM_000935.3); short protein forms S49G.
Identifiers: ClinVar variation 4795674 (VCV004795674.1).